The following is an entry in ClinVar:

ClinVar aggregate classification (germline): Likely pathogenic (1 of 4 stars; one submission).

Conditions:
Cardiac valvular dysplasia, X-linked (CVDPX). Also called: Isolated X-Linked Cardiac Valvular Dysplasia; MYXOMATOUS VALVULAR DYSTROPHY, X-LINKED; VALVULAR HEART DISEASE, CONGENITAL; Congenital valvular dysplasia; FLNA-Related X-linked Cardiac Valvular Dysplasia. Identifiers: Orphanet 1864, Orphanet 555877, Orphanet 75497, MedGen C0262436, MONDO:0010753, OMIM 314400.

Submission:

Centre for Mendelian Genomics, University Medical Centre Ljubljana
Classification: Likely pathogenic for Cardiac valvular dysplasia, X-linked. Last evaluated: 2016-01-01. Review status: criteria provided, single submitter. Criteria: ACMG Guidelines, 2015. Collection method: clinical testing. Allele origin: unknown. Affected: yes.
Comment: This variant was classified as: Likely pathogenic. This variant was detected in hemizygous state.

NM_001110556.2(FLNA):c.622+5G>C

Gene: FLNA (filamin A; minus strand). Cytogenetic location: Xq28.
Variant type: single nucleotide variant.
Coding change: c.622+5G>C on transcript NM_001110556.2 (MANE Select); 5 bases into the intron after coding-DNA position 622, G replaced by C.
Molecular consequence: intron variant.
Genome position (GRCh38, 1-based): chrX:154,367,837, C>G on the plus strand (G>C on the coding strand, the complement: FLNA is on the minus strand). VCF-style: chrX-154367837-C-G. GRCh37 (hg19) VCF-style: chrX-153596205-C-G.
Other names: c.622+5G>C (NM_001456.4).
Identifiers: ClinVar variation 930545 (VCV000930545.3), dbSNP rs2067774568, ClinGen allele CA1139667850.